The following is an entry in ClinVar:

ClinVar aggregate classification (germline): Benign/Likely benign. Review status: criteria provided, multiple submitters, no conflicts (2 of 4 stars). 4 submissions from 4 submitters: Benign (1); Likely benign (3). Last evaluated 2025-08-21.

Conditions:
Inborn genetic diseases. Identifiers: MedGen C0950123, MeSH D030342.
ADNP-related disorder. Also called: ADNP-related condition.

Allele frequency attached by ClinVar (database versions not stated): gnomAD exomes 0.00004; ExAC 0.00007; gnomAD 0.00008.
gnomAD v4.1: 79 of 1,614,040 alleles (0.0049%); highest among the groups gnomAD compares: Admixed American, 0.03%; no homozygotes.

Submissions (4):

Labcorp Genetics (formerly Invitae), Labcorp
Classification: Benign. Last evaluated: 2025-08-21. Review status: criteria provided, single submitter. Criteria: Invitae Variant Classification Sherloc (09022015). Collection method: clinical testing. Allele origin: germline.

PreventionGenetics, part of Exact Sciences
Classification: Likely benign for ADNP-related condition. Last evaluated: 2024-11-21. Review status: criteria provided, single submitter. Criteria: ACMG Guidelines, 2015. Collection method: clinical testing. Allele origin: germline.
Comment: This variant is classified as likely benign based on ACMG/AMP sequence variant interpretation guidelines (Richards et al. 2015 PMID: 25741868, with internal and published modifications).

Ambry Genetics
Classification: Likely benign for Inborn genetic diseases. Last evaluated: 2023-02-15. Review status: criteria provided, single submitter. Criteria: Ambry Variant Classification Scheme 2023. Collection method: clinical testing. Allele origin: germline.

Blueprint Genetics
Classification: Likely benign. Last evaluated: 2022-06-13. Review status: criteria provided, single submitter. Criteria: ACMG Guidelines, 2015. Collection method: clinical testing. Allele origin: germline.

NM_001282531.3(ADNP):c.2716G>A (p.Asp906Asn)

Gene: ADNP (activity dependent neuroprotector homeobox; minus strand). Cytogenetic location: 20q13.13.
Variant type: single nucleotide variant.
Coding change: c.2716G>A on transcript NM_001282531.3 (MANE Select); coding-DNA position 2716, G replaced by A.
Protein change: p.Asp906Asn; replaces aspartic acid 906 with asparagine.
Molecular consequence: missense variant.
Genome position (GRCh38, 1-based): chr20:50,891,998, C>T on the plus strand (G>A on the coding strand, the complement: ADNP is on the minus strand). VCF-style: chr20-50891998-C-T. GRCh37 (hg19) VCF-style: chr20-49508535-C-T.
Other names: c.2716G>A (NM_001282531.2, NM_015339.2); c.2716G>A, p.Asp906Asn (NM_001282532.2, NM_001347511.2, NM_015339.5 and 1 more transcripts); short protein forms D906N.
Identifiers: ClinVar variation 1988704 (VCV001988704.8), dbSNP rs767970856, ClinGen allele CA9908538.
Genomic context (GRCh38, chr20:50,891,998, plus strand): 5'-TCTCCTCAGATTCTGAAGCATCCTCAGGAATTACCTTCAGTACATGTTCCTCTGGGTTAT[C>T]GTTAGAGATTTTAGGTTCAACTTCAAAAACAGGGTCAAAAGGGCTACCACTTTCATTGGA-3'
Protein context (NP_001269460.1, residues 896-916): VFEVEPKISN[Asp906Asn]NPEEHVLKVI